The following is an entry in ClinVar:

NM_001004334.4(GPR179):c.1709C>A (p.Ala570Asp)

Gene: GPR179 (G protein-coupled receptor 179; minus strand). Cytogenetic location: 17q12.
Variant type: single nucleotide variant.
Coding change: c.1709C>A on transcript NM_001004334.4 (MANE Select); coding-DNA position 1709, C replaced by A.
Protein change: p.Ala570Asp; replaces alanine 570 with aspartic acid.
Molecular consequence: missense variant.
Genome position (GRCh38, 1-based): chr17:38,334,779, G>T on the plus strand (C>A on the coding strand, the complement: GPR179 is on the minus strand). VCF-style: chr17-38334779-G-T. GRCh37 (hg19) VCF-style: chr17-36490662-G-T.
Other names: short protein forms A570D.
Identifiers: ClinVar variation 2092802 (VCV002092802.4), dbSNP rs373958918, ClinGen allele CA398886095.
Genomic context (GRCh38, chr17:38,334,779, plus strand): 5'-GCAGCGGAAAGCAGTAGCTCATTGTGCAGGGCGATGCCCATGTAGCGTGGCTCATGGAAG[G>T]CCGAGAGCACAGCCCGTGTGGCGTAGCAGAGGAAGCTGCCCCAGCACAGCAGCAGCAGCT-3'
Protein context (NP_001004334.3, residues 560-580): LCYATRAVLS[Ala570Asp]FHEPRYMGIA

ClinVar aggregate classification (germline): Uncertain significance (1 of 4 stars; one submission).

gnomAD v4.1: 3 of 1,613,598 alleles (0.00019%); highest among the groups gnomAD compares: Admixed American, 0.0033%; no homozygotes.

Submission:

Labcorp Genetics (formerly Invitae), Labcorp
Classification: Uncertain significance. Last evaluated: 2022-02-04. Review status: criteria provided, single submitter. Criteria: Invitae Variant Classification Sherloc (09022015). Collection method: clinical testing. Allele origin: germline.
Comment: This sequence change replaces alanine, which is neutral and non-polar, with aspartic acid, which is acidic and polar, at codon 570 of the GPR179 protein (p.Ala570Asp). The frequency data for this variant in the population databases is considered unreliable, as metrics indicate poor data quality at this position in the gnomAD database. This variant has not been reported in the literature in individuals affected with GPR179-related conditions. Algorithms developed to predict the effect of missense changes on protein structure and function are either unavailable or do not agree on the potential impact of this missense change (SIFT: "Tolerated"; PolyPhen-2: "Probably Damaging"; Align-GVGD: "Class C0"). In summary, the available evidence is currently insufficient to determine the role of this variant in disease. Therefore, it has been classified as a Variant of Uncertain Significance.